The following is an entry in ClinVar:

ClinVar aggregate classification (germline): Likely benign. Review status: criteria provided, multiple submitters, no conflicts (2 of 4 stars). 3 submissions from 3 submitters: Likely benign (3). Last evaluated 2025-12-01.

Conditions:
Ataxia-telangiectasia syndrome (AT). Also called: Ataxia telangiectasia (A-T); ATAXIA-TELANGIECTASIA, COMPLEMENTATION GROUP A; ATAXIA-TELANGIECTASIA, FRESNO VARIANT; Ataxia-telangiectasia; Cerebello-oculocutaneous telangiectasia; Immunodeficiency with ataxia telangiectasia. Identifiers: Orphanet 100, MedGen C0004135, MONDO:0008840, OMIM 208900.
Hereditary cancer-predisposing syndrome. Also called: Tumor predisposition; Neoplastic Syndromes, Hereditary; Hereditary Cancer Syndrome; Hereditary neoplastic syndrome. Identifiers: Orphanet 140162, MedGen C0027672, MeSH D009386, MONDO:0015356.

Allele frequency attached by ClinVar (database versions not stated): ExAC 0.00001.

Submissions (3):

CeGaT Center for Human Genetics Tuebingen
Classification: Likely benign. Last evaluated: 2025-12-01. Review status: criteria provided, single submitter. Criteria: CeGaT Center For Human Genetics Tuebingen Variant Classification Criteria Version 2. Collection method: clinical testing. Allele origin: germline. Affected: yes. Observed: 1 variant allele.
Comment: ATM: PM2:Supporting, BP4, BP7

Labcorp Genetics (formerly Invitae), Labcorp
Classification: Likely benign for Ataxia-telangiectasia syndrome. Last evaluated: 2023-03-18. Review status: criteria provided, single submitter. Criteria: Invitae Variant Classification Sherloc (09022015). Collection method: clinical testing. Allele origin: germline.

Ambry Genetics
Classification: Likely benign for Hereditary cancer-predisposing syndrome. Last evaluated: 2022-03-04. Review status: criteria provided, single submitter. Criteria: Ambry Variant Classification Scheme 2023. Collection method: clinical testing. Allele origin: germline.

NM_000051.4(ATM):c.5571A>T (p.Ser1857=)

Gene: ATM (ATM serine/threonine kinase; plus strand). Cytogenetic location: 11q22.3.
Variant type: single nucleotide variant.
Coding change: c.5571A>T on transcript NM_000051.4 (MANE Select); coding-DNA position 5571, A replaced by T.
Protein change: p.Ser1857=; no amino-acid change (serine 1857 retained).
Molecular consequence: synonymous variant.
Genome position (GRCh38, 1-based): chr11:108,304,749, A>T. VCF-style: chr11-108304749-A-T. GRCh37 (hg19) VCF-style: chr11-108175476-A-T.
Other names: c.5571A>T, p.Ser1857= (NM_001351834.2).
Identifiers: ClinVar variation 1545058 (VCV001545058.15), dbSNP rs777570286, ClinGen allele CA6265730.